The following is an entry in ClinVar:

NM_138295.5(PKD1L1):c.2475C>T (p.Thr825=)

Gene: PKD1L1 (polycystin 1 like 1, transient receptor potential channel interacting; minus strand). Cytogenetic location: 7p12.3.
Variant type: single nucleotide variant.
Coding change: c.2475C>T on transcript NM_138295.5 (MANE Select); coding-DNA position 2475, C replaced by T.
Protein change: p.Thr825=; no amino-acid change (threonine 825 retained).
Molecular consequence: synonymous variant.
Genome position (GRCh38, 1-based): chr7:47,890,742, G>A on the plus strand (C>T on the coding strand, the complement: PKD1L1 is on the minus strand). VCF-style: chr7-47890742-G-A. GRCh37 (hg19) VCF-style: chr7-47930340-G-A.
Other names: c.2475C>T (NM_138295.3).
Identifiers: ClinVar variation 2890496 (VCV002890496.4), dbSNP rs141161569, ClinGen allele CA4253720.

ClinVar aggregate classification (germline): Likely benign. Review status: criteria provided, multiple submitters, no conflicts (2 of 4 stars). 2 submissions from 2 submitters: Likely benign (2). Last evaluated 2025-04-28.

Conditions:
PKD1L1-related disorder. Also called: PKD1L1-related condition.

Allele frequency attached by ClinVar (database versions not stated): gnomAD 0.00003; gnomAD exomes 0.00003; TOPMed 0.00006; ExAC 0.00009; ESP Exome Variant Server 0.00015.
gnomAD v4.1: 54 of 1,612,496 alleles (0.0033%); highest among the groups gnomAD compares: East Asian, 0.036%; no homozygotes.

Submissions (2):

PreventionGenetics, part of Exact Sciences
Classification: Likely benign for PKD1L1-related condition. Last evaluated: 2025-04-28. Review status: criteria provided, single submitter. Criteria: ACMG Guidelines, 2015. Collection method: clinical testing. Allele origin: germline.
Comment: This variant is classified as likely benign based on ACMG/AMP sequence variant interpretation guidelines (Richards et al. 2015 PMID: 25741868, with internal and published modifications).

Labcorp Genetics (formerly Invitae), Labcorp
Classification: Likely benign. Last evaluated: 2025-03-24. Review status: criteria provided, single submitter. Criteria: Invitae Variant Classification Sherloc (09022015). Collection method: clinical testing. Allele origin: germline.